The following is an entry in ClinVar:

NM_000093.5(COL5A1):c.*15G>A

Genes: COL5A1 (collagen type V alpha 1 chain; plus strand), LOC101448202 (uncharacterized LOC101448202; minus strand). Cytogenetic location: 9q34.3.
Variant type: single nucleotide variant.
Coding change: c.*15G>A on transcript NM_000093.5 (MANE Select); 15 bases downstream of the stop codon, G replaced by A.
Molecular consequence: 3 prime UTR variant.
Genome position (GRCh38, 1-based): chr9:134,842,318, G>A. VCF-style: chr9-134842318-G-A. GRCh37 (hg19) VCF-style: chr9-137734164-G-A.
Other names: c.*15G>A (NM_001278074.1).
Identifiers: ClinVar variation 387782 (VCV000387782.2), dbSNP rs757066762, ClinGen allele CA5320770.

ClinVar aggregate classification (germline): Likely benign. Review status: criteria provided, multiple submitters, no conflicts (2 of 4 stars). 2 submissions from 2 submitters: Likely benign (2). Last evaluated 2024-10-23.

Allele frequency attached by ClinVar (database versions not stated): TOPMed 0.00005; gnomAD 0.00004; gnomAD exomes 0.00004 and 0.00005; ExAC 0.00005.
gnomAD v4.1: 78 of 1,613,726 alleles (0.0048%); highest among the groups gnomAD compares: South Asian, 0.021%; no homozygotes.

Submissions (2):

Blueprint Genetics
Classification: Likely benign. Last evaluated: 2024-10-23. Review status: criteria provided, single submitter. Criteria: ACMG Guidelines, 2015. Collection method: clinical testing. Allele origin: germline.

GeneDx
Classification: Likely benign. Last evaluated: 2016-07-14. Review status: criteria provided, single submitter. Criteria: GeneDx Variant Classification (06012015). Collection method: clinical testing. Allele origin: germline. Affected: yes.
Comment: This variant is considered likely benign or benign based on one or more of the following criteria: it is a conservative change, it occurs at a poorly conserved position in the protein, it is predicted to be benign by multiple in silico algorithms, and/or has population frequency not consistent with disease.